The following is an entry in ClinVar:

NC_000007.13:g.(16255823_16298014)_(16298638_16317753)del

Gene: CRPPA (CDP-L-ribitol pyrophosphorylase A; minus strand). Cytogenetic location: 7p21.2.
Variant type: Deletion.
Identifiers: ClinVar variation 3769494 (VCV003769494.2).

ClinVar aggregate classification (germline): Pathogenic (1 of 4 stars; one submission).

Conditions:
Muscular dystrophy-dystroglycanopathy (congenital with brain and eye anomalies), type A, 7. Also called: Congenital muscular dystrophy-dystroglycanopathy with brain and eye anomalies, type A7; WALKER-WARBURG SYNDROME OR MUSCLE-EYE-BRAIN DISEASE, ISPD-RELATED. Identifiers: Orphanet 899, MedGen C3553330, MONDO:0013835, OMIM 614643.

Submission:

Women's Health and Genetics/Laboratory Corporation of America, LabCorp
Classification: Pathogenic for Muscular dystrophy-dystroglycanopathy (congenital with brain and eye anomalies), type A, 7. Last evaluated: 2025-01-21. Review status: criteria provided, single submitter. Criteria: LabCorp Variant Classification Summary - May 2015. Collection method: clinical testing. Allele origin: germline.
Comment: Variant summary: The variant involves the deletion of exons 7-8 in the CRPPA gene. A presumed nomenclature of c.(933+1_934-1)_(1119+1_1120-1)del has been designated for the purposes of this classification. This Copy Number Variant (CNV) is predicted to result in an in-frame deletion within this gene. The variant was absent in 21694 control chromosomes. To our knowledge, no occurrence of c.(933+1_934-1)_(1119+1_1120-1)del in individuals affected with Muscular dystrophy-dystroglycanopathy (congenital with brain and eye anomalies), type a, 7 and no experimental evidence demonstrating its impact on protein function have been reported. Nevertheless, a single amino acid deletion variant within this deletion region, c.1105GTT (p.Val372del) has been reported in multiple individuals with CRPPA-related conditions (PMID: 23288328, 23390185, 27234031, 31127727) and has been classified as pathogenic by other clinical laboratories in the ClinVar database (Variation ID: 156455). ClinVar contains an entry for this variant (Variation ID: 540374). Based on the evidence outlined above, the variant was classified as pathogenic.